The following is an entry in ClinVar:

ClinVar aggregate classification (germline): Uncertain significance (1 of 4 stars; one submission).

Submission:

GeneDx
Classification: Uncertain significance. Last evaluated: 2024-02-09. Review status: criteria provided, single submitter. Criteria: GeneDx Variant Classification Process June 2021. Collection method: clinical testing. Allele origin: germline. Affected: yes.
Comment: Not observed at significant frequency in large population cohorts (gnomAD); In silico analysis supports that this missense variant has a deleterious effect on protein structure/function; Has not been previously published as pathogenic or benign to our knowledge; This variant is associated with the following publications: (PMID: 17924661)

NM_000458.4(HNF1B):c.401T>C (p.Ile134Thr)

Gene: HNF1B (HNF1 homeobox B; minus strand). Cytogenetic location: 17q12.
Variant type: single nucleotide variant.
Coding change: c.401T>C on transcript NM_000458.4 (MANE Select); coding-DNA position 401, T replaced by C.
Protein change: p.Ile134Thr; replaces isoleucine 134 with threonine.
Molecular consequence: missense variant.
Genome position (GRCh38, 1-based): chr17:37,739,583, A>G on the plus strand (T>C on the coding strand, the complement: HNF1B is on the minus strand). VCF-style: chr17-37739583-A-G. GRCh37 (hg19) VCF-style: chr17-36099574-A-G.
Other names: c.401T>C, p.Ile134Thr (NM_001165923.4, NM_001304286.2, NM_001411100.1); short protein forms I134T.
Identifiers: ClinVar variation 3368577 (VCV003368577.1).
Genomic context (GRCh38, chr17:37,739,583, plus strand): 5'-AGATGCTGGGAGAGGTGCGACTGGTTCAGGCCGGTGACATCGACCACCTCCCTCTGGGGG[A>G]TGTTGTGTTGCTGCATGTAACCCTTGATCATTTTAGCAGCCCTCCAAGGGTCCTCACTAG-3'
Protein context (NP_000449.1, residues 124-144): MIKGYMQQHN[Ile134Thr]PQREVVDVTG